The following is an entry in ClinVar:

NM_001379610.1(SPINK1):c.92A>T (p.Lys31Ile)

Gene: SPINK1 (serine peptidase inhibitor Kazal type 1; minus strand). Cytogenetic location: 5q32.
Variant type: single nucleotide variant.
Coding change: c.92A>T on transcript NM_001379610.1 (MANE Select); coding-DNA position 92, A replaced by T.
Protein change: p.Lys31Ile; replaces lysine 31 with isoleucine.
Molecular consequence: missense variant.
Genome position (GRCh38, 1-based): chr5:147,828,124, T>A on the plus strand (A>T on the coding strand, the complement: SPINK1 is on the minus strand). VCF-style: chr5-147828124-T-A. GRCh37 (hg19) VCF-style: chr5-147207687-T-A.
Other names: c.92A>T, p.Lys31Ile (NM_001354966.2, NM_003122.5); short protein forms K31I.
Identifiers: ClinVar variation 1766475 (VCV001766475.2), dbSNP rs2480199319, ClinGen allele CA361885385.
Genomic context (GRCh38, chr5:147,828,124, plus strand): 5'-CCATCAGTCCCACAGACAGGGTCATATATCTTGGTGCATCCATTAAGTTCATTGTAACAT[T>A]TGGCCTAAAAATGGAATTAAACAGAATCATTTCCCATTATTCTCCATTCTTGAGTTCATA-3'
Protein context (NP_001366539.1, residues 21-41): TGADSLGREA[Lys31Ile]CYNELNGCTK

ClinVar aggregate classification (germline): Uncertain significance (1 of 4 stars; one submission).

Conditions:
Hereditary pancreatitis (PCTT). Also called: PRSS1-Related Hereditary Pancreatitis; Hereditary chronic pancreatitis. Identifiers: Orphanet 676, MedGen C0238339, MONDO:0008185, OMIM 167800.

Allele frequency attached by ClinVar (database versions not stated): gnomAD exomes below 0.00001.
gnomAD v4.1: 1 of 1,612,256 alleles (0.000062%); highest among the groups gnomAD compares: Non-Finnish European, 0.000085%; no homozygotes.

Submission:

Ambry Genetics
Classification: Uncertain significance for Hereditary pancreatitis. Last evaluated: 2022-09-26. Review status: criteria provided, single submitter. Criteria: Ambry Variant Classification Scheme 2023. Collection method: clinical testing. Allele origin: germline.
Comment: The p.K31I variant (also known as c.92A>T), located in coding exon 3 of the SPINK1 gene, results from an A to T substitution at nucleotide position 92. The lysine at codon 31 is replaced by isoleucine, an amino acid with dissimilar properties. This amino acid position is conserved. In addition, this alteration is predicted to be tolerated by in silico analysis. Since supporting evidence is limited at this time, the clinical significance of this alteration remains unclear.